The following is an entry in ClinVar:

NM_001356.5(DDX3X):c.704T>C (p.Leu235Pro)

Gene: DDX3X (DEAD-box helicase 3 X-linked; plus strand). Cytogenetic location: Xp11.4.
Variant type: single nucleotide variant.
Coding change: c.704T>C on transcript NM_001356.5 (MANE Select); coding-DNA position 704, T replaced by C.
Protein change: p.Leu235Pro; replaces leucine 235 with proline.
Molecular consequence: missense variant. On other transcripts: non-coding transcript variant (1).
Genome position (GRCh38, 1-based): chrX:41,343,761, T>C. VCF-style: chrX-41343761-T-C. GRCh37 (hg19) VCF-style: chrX-41203014-T-C.
Other names: c.704T>C, p.Leu235Pro (NM_001193416.3); c.656T>C, p.Leu219Pro (NM_001193417.3); c.146T>C, p.Leu49Pro (NM_001363819.1); short protein forms L235P, L219P, L49P.
Identifiers: ClinVar variation 1756882 (VCV001756882.5), dbSNP rs796052224, ClinGen allele CA319626.

ClinVar aggregate classification (germline): Conflicting classifications of pathogenicity. Review status: criteria provided, conflicting classifications (1 of 4 stars). 2 submissions from 2 submitters: Pathogenic (1); Uncertain significance (1). Last evaluated 2024-11-26.

Conditions:
Inborn genetic diseases. Identifiers: MedGen C0950123, MeSH D030342.

Submissions (2):

Labcorp Genetics (formerly Invitae), Labcorp
Classification: Pathogenic. Last evaluated: 2024-11-26. Review status: criteria provided, single submitter. Criteria: Invitae Variant Classification Sherloc (09022015). Collection method: clinical testing. Allele origin: germline.
Comment: This sequence change replaces leucine, which is neutral and non-polar, with proline, which is neutral and non-polar, at codon 235 of the DDX3X protein (p.Leu235Pro). This variant is not present in population databases (gnomAD no frequency). This missense change has been observed in individual(s) with DDX3X-related conditions (PMID: 26235985). In at least one individual the variant was observed to be de novo. ClinVar contains an entry for this variant (Variation ID: 1756882). This variant disrupts the p.Leu235 amino acid residue in DDX3X. Other variant(s) that disrupt this residue have been determined to be pathogenic (PMID: 32135084). This suggests that this residue is clinically significant, and that variants that disrupt this residue are likely to be disease-causing. For these reasons, this variant has been classified as Pathogenic.

Ambry Genetics
Classification: Uncertain significance for Inborn genetic diseases. Last evaluated: 2018-11-07. Review status: criteria provided, single submitter. Criteria: Ambry Variant Classification Scheme 2023. Collection method: clinical testing. Allele origin: germline.
Comment: The p.L235P variant (also known as c.704T>C), located in coding exon 8 of the DDX3X gene, results from a T to C substitution at nucleotide position 704. The leucine at codon 235 is replaced by proline, an amino acid with similar properties. This amino acid position is highly conserved in available vertebrate species. In addition, the in silico prediction for this alteration is inconclusive. Since supporting evidence is limited at this time, the clinical significance of this alteration remains unclear.

Literature cited by the submitters: PubMed 26235985 (cited by Labcorp Genetics (formerly Invitae), Labcorp and Ambry Genetics); PubMed 32135084 (cited by Labcorp Genetics (formerly Invitae), Labcorp).